The following is an entry in ClinVar:

ClinVar aggregate classification (germline): Uncertain significance (1 of 4 stars; one submission).

gnomAD v4.1: 1 of 1,614,072 alleles (0.000062%); highest among the groups gnomAD compares: South Asian, 0.0011%; no homozygotes.

Submission:

Ambry Genetics
Classification: Uncertain significance. Last evaluated: 2024-01-21. Review status: criteria provided, single submitter. Criteria: Ambry Variant Classification Scheme 2023. Collection method: clinical testing. Allele origin: germline.
Comment: The p.P653S variant (also known as c.1957C>T), located in coding exon 1 of the MLH3 gene, results from a C to T substitution at nucleotide position 1957. The proline at codon 653 is replaced by serine, an amino acid with similar properties. This amino acid position is conserved. In addition, this alteration is predicted to be tolerated by in silico analysis. Based on the available evidence, the clinical significance of this alteration remains unclear.

NM_001040108.2(MLH3):c.1957C>T (p.Pro653Ser)

Gene: MLH3 (mutL homolog 3; minus strand). Cytogenetic location: 14q24.3.
Variant type: single nucleotide variant.
Coding change: c.1957C>T on transcript NM_001040108.2 (MANE Select); coding-DNA position 1957, C replaced by T.
Protein change: p.Pro653Ser; replaces proline 653 with serine.
Molecular consequence: missense variant.
Genome position (GRCh38, 1-based): chr14:75,047,699, G>A on the plus strand (C>T on the coding strand, the complement: MLH3 is on the minus strand). VCF-style: chr14-75047699-G-A. GRCh37 (hg19) VCF-style: chr14-75514402-G-A.
Other names: c.1957C>T, p.Pro653Ser (NM_014381.3); short protein forms P653S.
Identifiers: ClinVar variation 3232464 (VCV003232464.1), dbSNP rs757527943, ClinGen allele CA390443622.